The following is an entry in ClinVar:

NM_001042681.2(RERE):c.3582_3599dup (p.Glu1201_Ala1202insArgGluArgGluArgGlu)

Gene: RERE (arginine-glutamic acid dipeptide repeats; minus strand). Cytogenetic location: 1p36.23.
Variant type: Duplication.
Coding change: c.3582_3599dup on transcript NM_001042681.2 (MANE Select); coding-DNA positions 3582 to 3599, 18 bases duplicated (GGAGCGAGAGCGGGAGCG).
Protein change: p.Glu1201_Ala1202insArgGluArgGluArgGlu.
Molecular consequence: inframe insertion.
Genome position (GRCh38, 1-based): chr1:8,359,783-8,359,800, CGCTCCCGCTCTCGCTCC duplicated on the plus strand (GGAGCGAGAGCGGGAGCG on the coding strand, the reverse complement: RERE is on the minus strand); duplicating any 18 consecutive bases within chr1:8,359,783-8,359,811 gives the same sequence; the c. name uses the placement nearest the transcript's 3' end. VCF-style (leftmost placement, unchanged base first): chr1-8359782-G-GCGCTCCCGCTCTCGCTCC. GRCh37 (hg19) VCF-style: chr1-8419842-G-GCGCTCCCGCTCTCGCTCC.
Other names: c.1920_1937dup, p.Glu647_Ala648insArgGluArgGluArgGlu (NM_001042682.2); c.3582_3599dup, p.Glu1201_Ala1202insArgGluArgGluArgGlu (NM_012102.4).
Identifiers: ClinVar variation 2147778 (VCV002147778.4), dbSNP rs780958536, ClinGen allele CA571085.
Genomic context (GRCh38, chr1:8,359,782, plus strand): 5'-GGACCAGCGCCCCCCGTCACACCTCGCCAACCCTGGACTCACAGCCGCCCGCTCTGCCTC[G>GCGCTCCCGCTCTCGCTCC]CGCTCCCGCTCTCGCTCCCGCTCCCGCTCCTTCTCCTTCTCCTTCTCCCGCTCTCGCTCC-3'

ClinVar aggregate classification (germline): Uncertain significance (1 of 4 stars; one submission).

Submission:

Labcorp Genetics (formerly Invitae), Labcorp
Classification: Uncertain significance. Last evaluated: 2024-11-11. Review status: criteria provided, single submitter. Criteria: Invitae Variant Classification Sherloc (09022015). Collection method: clinical testing. Allele origin: germline.
Comment: This variant, c.3582_3599dup, results in the insertion of 6 amino acid(s) of the RERE protein (p.Arg1196_Glu1201dup), but otherwise preserves the integrity of the reading frame. The frequency data for this variant in the population databases is considered unreliable, as metrics indicate poor data quality at this position in the gnomAD database. This variant has not been reported in the literature in individuals affected with RERE-related conditions. ClinVar contains an entry for this variant (Variation ID: 2147778). In summary, the available evidence is currently insufficient to determine the role of this variant in disease. Therefore, it has been classified as a Variant of Uncertain Significance.